The following is an entry in ClinVar:

NM_000687.4(AHCY):c.457A>G (p.Ile153Val)

Gene: AHCY (adenosylhomocysteinase; minus strand). Cytogenetic location: 20q11.22.
Variant type: single nucleotide variant.
Coding change: c.457A>G on transcript NM_000687.4 (MANE Select); coding-DNA position 457, A replaced by G.
Protein change: p.Ile153Val; replaces isoleucine 153 with valine.
Molecular consequence: missense variant.
Genome position (GRCh38, 1-based): chr20:34,291,520, T>C on the plus strand (A>G on the coding strand, the complement: AHCY is on the minus strand). VCF-style: chr20-34291520-T-C. GRCh37 (hg19) VCF-style: chr20-32879326-T-C.
Other names: c.373A>G, p.Ile125Val (NM_001161766.2, NM_001322084.2, NM_001322085.2); c.463A>G, p.Ile155Val (NM_001322086.2); c.457A>G, p.Ile153Val (NM_001362750.2); short protein forms I153V, I125V, I155V.
Identifiers: ClinVar variation 1962160 (VCV001962160.5), dbSNP rs2515181190, ClinGen allele CA408658817.

ClinVar aggregate classification (germline): Uncertain significance (1 of 4 stars; one submission).

Conditions:
Hypermethioninemia with deficiency of S-adenosylhomocysteine hydrolase. Identifiers: Orphanet 88618, MedGen C3151058, MONDO:0013404, OMIM 613752.

Allele frequency attached by ClinVar (database versions not stated): gnomAD exomes below 0.00001.
gnomAD v4.1: 1 of 1,614,054 alleles (0.000062%); highest among the groups gnomAD compares: Non-Finnish European, 0.000085%; no homozygotes.

Submission:

Labcorp Genetics (formerly Invitae), Labcorp
Classification: Uncertain significance for Hypermethioninemia with deficiency of S-adenosylhomocysteine hydrolase. Last evaluated: 2022-07-18. Review status: criteria provided, single submitter. Criteria: Invitae Variant Classification Sherloc (09022015). Collection method: clinical testing. Allele origin: germline.
Comment: This sequence change replaces isoleucine, which is neutral and non-polar, with valine, which is neutral and non-polar, at codon 153 of the AHCY protein (p.Ile153Val). This variant is not present in population databases (gnomAD no frequency). This variant has not been reported in the literature in individuals affected with AHCY-related conditions. In summary, the available evidence is currently insufficient to determine the role of this variant in disease. Therefore, it has been classified as a Variant of Uncertain Significance. Algorithms developed to predict the effect of missense changes on protein structure and function are either unavailable or do not agree on the potential impact of this missense change (SIFT: "Not Available"; PolyPhen-2: "Benign"; Align-GVGD: "Not Available").